The following is an entry in ClinVar:

ClinVar aggregate classification (germline): Uncertain significance. Review status: criteria provided, multiple submitters, no conflicts (2 of 4 stars). 2 submissions from 2 submitters: Uncertain significance (2). Last evaluated 2024-06-28.

Conditions:
Finnish type amyloidosis. Also called: Lattice corneal dystrophy associated with familial systemic amyloidosis; Meretoja's syndrome; Lattice dystrophy of the cornea with hereditary generalized amyloidosis; AMYLOIDOSIS, HEREDITARY SYSTEMIC 4, FINNISH TYPE; AMYLOID CRANIAL NEUROPATHY WITH LATTICE CORNEAL DYSTROPHY; AMYLOIDOSIS DUE TO MUTANT GELSOLIN. Identifiers: Orphanet 85448, MedGen C1622345, MONDO:0007097, OMIM 105120.

Allele frequency attached by ClinVar (database versions not stated): gnomAD 0.00001; gnomAD exomes 0.00001; ExAC 0.00002; TOPMed 0.00002.
gnomAD v4.1: 10 of 1,613,750 alleles (0.00062%); highest among the groups gnomAD compares: East Asian, 0.011%; no homozygotes.

Submissions (2):

Labcorp Genetics (formerly Invitae), Labcorp
Classification: Uncertain significance. Last evaluated: 2024-06-28. Review status: criteria provided, single submitter. Criteria: Invitae Variant Classification Sherloc (09022015). Collection method: clinical testing. Allele origin: germline.
Comment: This sequence change replaces serine, which is neutral and polar, with leucine, which is neutral and non-polar, at codon 154 of the GSN protein (p.Ser154Leu). This variant is present in population databases (rs767484600, gnomAD 0.02%). This variant has not been reported in the literature in individuals affected with GSN-related conditions. ClinVar contains an entry for this variant (Variation ID: 2061282). An algorithm developed to predict the effect of missense changes on protein structure and function (PolyPhen-2) suggests that this variant is likely to be disruptive. In summary, the available evidence is currently insufficient to determine the role of this variant in disease. Therefore, it has been classified as a Variant of Uncertain Significance.

Fulgent Genetics
Classification: Uncertain significance for Finnish type amyloidosis. Last evaluated: 2024-02-05. Review status: criteria provided, single submitter. Criteria: ACMG Guidelines, 2015. Collection method: clinical testing. Allele origin: germline.

NM_198252.3(GSN):c.308C>T (p.Ser103Leu)

Gene: GSN (gelsolin; plus strand). Cytogenetic location: 9q33.2.
Variant type: single nucleotide variant.
Coding change: c.308C>T on transcript NM_198252.3 (MANE Select); coding-DNA position 308, C replaced by T.
Protein change: p.Ser103Leu; replaces serine 103 with leucine.
Molecular consequence: missense variant. On other transcripts: 5 prime UTR variant (1).
Genome position (GRCh38, 1-based): chr9:121,303,022, C>T. VCF-style: chr9-121303022-C-T. GRCh37 (hg19) VCF-style: chr9-124065300-C-T.
Other names: c.308C>T, p.Ser103Leu (NM_001353061.2, NM_001353062.1, NM_001127662.2 and 10 more transcripts); c.341C>T, p.Ser114Leu (NM_001353063.2, NM_001353064.2, NM_001353065.2 and 13 more transcripts); c.380C>T, p.Ser127Leu (NM_001353076.2); c.-347C>T (NM_001353078.2); c.461C>T, p.Ser154Leu (NM_000177.5); c.416C>T, p.Ser139Leu (NM_001127663.2); c.359C>T, p.Ser120Leu (NM_001258029.2); c.332C>T, p.Ser111Leu (NM_001258030.2); short protein forms S111L, S103L, S127L, S120L, S154L, S114L, S139L.
Identifiers: ClinVar variation 2061282 (VCV002061282.5), dbSNP rs767484600, ClinGen allele CA5220835.